The following is an entry in ClinVar:

ClinVar aggregate classification (germline): Uncertain significance (1 of 4 stars; one submission).

Conditions:
Emery-Dreifuss muscular dystrophy (EDMD). Also called: Scapuloperoneal syndrome, X-linked (formerly); Humeroperoneal neuromuscular disease, (formerly). Identifiers: Orphanet 261, MedGen C0410189, MONDO:0016830.

Submission:

Labcorp Genetics (formerly Invitae), Labcorp
Classification: Uncertain significance for Emery-Dreifuss muscular dystrophy. Last evaluated: 2024-05-21. Review status: criteria provided, single submitter. Criteria: Invitae Variant Classification Sherloc (09022015). Collection method: clinical testing. Allele origin: germline.
Comment: This sequence change replaces alanine, which is neutral and non-polar, with threonine, which is neutral and polar, at codon 353 of the SUN2 protein (p.Ala353Thr). This variant is not present in population databases (gnomAD no frequency). This variant has not been reported in the literature in individuals affected with SUN2-related conditions. Algorithms developed to predict the effect of missense changes on protein structure and function output the following: SIFT: "Not Available"; PolyPhen-2: "Benign"; Align-GVGD: "Not Available". The threonine amino acid residue is found in multiple mammalian species, which suggests that this missense change does not adversely affect protein function. In summary, the available evidence is currently insufficient to determine the role of this variant in disease. Therefore, it has been classified as a Variant of Uncertain Significance.

NM_015374.3(SUN2):c.1057G>A (p.Ala353Thr)

Genes: GTPBP1 (GTP binding protein 1; plus strand), SUN2 (Sad1 and UNC84 domain containing 2; minus strand). Cytogenetic location: 22q13.1.
Variant type: single nucleotide variant.
Coding change: c.1057G>A on transcript NM_015374.3 (MANE Select); coding-DNA position 1057, G replaced by A.
Protein change: p.Ala353Thr; replaces alanine 353 with threonine.
Molecular consequence: missense variant. On other transcripts: intron variant (3).
Genome position (GRCh38, 1-based): chr22:38,742,312, C>T on the plus strand (G>A on the coding strand, the complement: SUN2 is on the minus strand). VCF-style: chr22-38742312-C-T. GRCh37 (hg19) VCF-style: chr22-39138317-C-T.
Other names: c.919G>A, p.Ala307Thr (NM_001394441.1, NM_001394439.1, NM_001394440.1); c.565G>A, p.Ala189Thr (NM_001394443.1); c.615-1880G>A (NM_001394444.1, NM_001394445.1); c.814-1902G>A (NM_001394442.1); c.1120G>A, p.Ala374Thr (NM_001199579.2, NM_001394428.1); c.1057G>A, p.Ala353Thr (NM_001199580.2, NM_001394431.1, NM_001394432.1 and 5 more transcripts); c.1150G>A, p.Ala384Thr (NM_001394427.1); c.1102G>A, p.Ala368Thr (NM_001394429.1, NM_001394430.1); and 1 more; short protein forms A323T, A384T, A368T, A189T, A307T, A353T, A374T.
Identifiers: ClinVar variation 2994507 (VCV002994507.3), dbSNP rs2518025171, ClinGen allele CA411585169.